The following is an entry in ClinVar:

ClinVar aggregate classification (germline): Uncertain significance (1 of 4 stars; one submission).

gnomAD v4.1: 1 of 1,210,447 alleles (0.000083%); no homozygotes.

Submission:

GeneDx
Classification: Uncertain significance. Last evaluated: 2024-09-30. Review status: criteria provided, single submitter. Criteria: GeneDx Variant Classification Process June 2021. Collection method: clinical testing. Allele origin: germline. Affected: yes.
Comment: Not observed at significant frequency in large population cohorts (gnomAD); In silico analysis supports that this missense variant has a deleterious effect on protein structure/function; Has not been previously published as pathogenic or benign to our knowledge

NM_001257291.2(SLC9A7):c.1943T>C (p.Leu648Pro)

Gene: SLC9A7 (solute carrier family 9 member A7; minus strand). Cytogenetic location: Xp11.3.
Variant type: single nucleotide variant.
Coding change: c.1943T>C on transcript NM_001257291.2 (MANE Select); coding-DNA position 1943, T replaced by C.
Protein change: p.Leu648Pro; replaces leucine 648 with proline.
Molecular consequence: missense variant.
Genome position (GRCh38, 1-based): chrX:46,607,190, A>G on the plus strand (T>C on the coding strand, the complement: SLC9A7 is on the minus strand). VCF-style: chrX-46607190-A-G. GRCh37 (hg19) VCF-style: chrX-46466625-A-G.
Other names: c.1940T>C, p.Leu647Pro (NM_032591.3); short protein forms L647P, L648P.
Identifiers: ClinVar variation 3774887 (VCV003774887.1).